The following is an entry in ClinVar:

NM_003500.4(ACOX2):c.1983+7G>A

Gene: ACOX2 (acyl-CoA oxidase 2; minus strand). Cytogenetic location: 3p14.3.
Variant type: single nucleotide variant.
Coding change: c.1983+7G>A on transcript NM_003500.4 (MANE Select); 7 bases into the intron after coding-DNA position 1983, G replaced by A.
Molecular consequence: intron variant.
Genome position (GRCh38, 1-based): chr3:58,508,886, C>T on the plus strand (G>A on the coding strand, the complement: ACOX2 is on the minus strand). VCF-style: chr3-58508886-C-T. GRCh37 (hg19) VCF-style: chr3-58494613-C-T.
Identifiers: ClinVar variation 3350756 (VCV003350756.3).

ClinVar aggregate classification (germline): Likely benign. Review status: criteria provided, single submitter (1 of 4 stars). 2 submissions from 2 submitters: Likely benign (1). 1 of the submissions does not count toward it. Last evaluated 2024-07-23.

Conditions:
ACOX2-related disorder. Also called: ACOX2-related condition.

gnomAD v4.1: 92 of 1,614,076 alleles (0.0057%); highest among the groups gnomAD compares: East Asian, 0.19%; no homozygotes.

Submissions (2):

Labcorp Genetics (formerly Invitae), Labcorp
Classification: Likely benign. Last evaluated: 2024-07-23. Review status: criteria provided, single submitter. Criteria: Invitae Variant Classification Sherloc (09022015). Collection method: clinical testing. Allele origin: germline.

PreventionGenetics, part of Exact Sciences
Classification: Likely benign for ACOX2-related condition. Last evaluated: 2024-06-10. Review status: no assertion criteria provided. Collection method: clinical testing. Allele origin: germline. Not counted in ClinVar's aggregate classification.
Comment: This variant is classified as likely benign based on ACMG/AMP sequence variant interpretation guidelines (Richards et al. 2015 PMID: 25741868, with internal and published modifications).